The following is an entry in ClinVar:

ClinVar aggregate classification (germline): Pathogenic (1 of 4 stars; one submission).

Conditions:
Neurodevelopmental disorder with hypotonia, impaired language, and dysmorphic features. Also called: Intellectual disability, autosomal dominant 40. Identifiers: Orphanet 692193, MedGen C5676894, MONDO:0014699, OMIM 616579.

Submission:

Women's Health and Genetics/Laboratory Corporation of America, LabCorp
Classification: Pathogenic for Neurodevelopmental disorder with hypotonia, impaired language, and dysmorphic features. Last evaluated: 2024-03-28. Review status: criteria provided, single submitter. Criteria: LabCorp Variant Classification Summary - May 2015. Collection method: clinical testing. Allele origin: germline.
Comment: Variant summary: CHAMP1 c.2000_2001delAA (p.Lys667ArgfsX8) results in a premature termination codon, predicted to cause a truncation of the encoded protein and loss of the C-terminal zinc finger domains. Loss of these domains has been experimentally demonstrated to result in aberrant protein localization and function, which is a commonly known mechanism for disease (PMID: 21063390). The variant was absent in 251396 control chromosomes. To our knowledge, no occurrence of c.2000_2001delAA in individuals affected with Intellectual Disability, Autosomal Dominant 40 has been reported, but other de novo truncating variants downstream of this position have been reported in the literature in multiple individuals with CHAMP1-related neurodevelopmental disorders (PMID: 34021018, 27148580, 28944241). No experimental evidence demonstrating its impact on protein function has been reported. No submitters have cited clinical-significance assessments for this variant to ClinVar. Based on the evidence outlined above, the variant was classified as pathogenic.

NM_032436.4(CHAMP1):c.2000_2001del (p.Lys667fs)

Gene: CHAMP1 (chromosome alignment maintaining phosphoprotein 1; plus strand). Cytogenetic location: 13q34.
Variant type: Deletion.
Coding change: c.2000_2001del on transcript NM_032436.4 (MANE Select); coding-DNA positions 2000 to 2001, 2 bases deleted (AA; older notation c.2000_2001delAA).
Protein change: p.Lys667fs; shifts the reading frame from lysine 667.
Molecular consequence: frameshift variant.
Genome position (GRCh38, 1-based): chr13:114,325,842-114,325,843, AA deleted; deleting any 2 consecutive bases within chr13:114,325,841-114,325,843 gives the same sequence; the c. name uses the placement nearest the transcript's 3' end. VCF-style (leftmost placement, unchanged base first): chr13-114325840-CAA-C. GRCh37 (hg19) VCF-style: chr13-115091315-CAA-C.
Other names: c.2000_2001delAA (NM_032436.4); c.2000_2001del, p.Lys667fs (NM_001164144.3, NM_001164145.3); short protein forms K667fs.
Identifiers: ClinVar variation 3233724 (VCV003233724.2), dbSNP rs2503204380, ClinGen allele CA2825002173.